The following is an entry in ClinVar:

NM_012199.5(AGO1):c.1135C>T (p.Arg379Cys)

Gene: AGO1 (argonaute RISC component 1; plus strand). Cytogenetic location: 1p34.3.
Variant type: single nucleotide variant.
Coding change: c.1135C>T on transcript NM_012199.5 (MANE Select); coding-DNA position 1135, C replaced by T.
Protein change: p.Arg379Cys; replaces arginine 379 with cysteine.
Molecular consequence: missense variant.
Genome position (GRCh38, 1-based): chr1:35,901,588, C>T. VCF-style: chr1-35901588-C-T. GRCh37 (hg19) VCF-style: chr1-36367189-C-T.
Other names: c.1135C>T, p.Arg379Cys (NM_001317122.2); c.910C>T, p.Arg304Cys (NM_001317123.2); short protein forms R304C, R379C.
Identifiers: ClinVar variation 2662054 (VCV002662054.1), dbSNP rs754699172, ClinGen allele CA339375651.

ClinVar aggregate classification (germline): Uncertain significance (1 of 4 stars; one submission).

gnomAD v4.1: 3 of 1,614,060 alleles (0.00019%); highest among the groups gnomAD compares: Non-Finnish European, 0.00025%; no homozygotes.

Submission:

GeneDx
Classification: Uncertain significance. Last evaluated: 2023-04-13. Review status: criteria provided, single submitter. Criteria: GeneDx Variant Classification Process June 2021. Collection method: clinical testing. Allele origin: germline. Affected: yes.
Comment: Has not been previously published as pathogenic or benign to our knowledge; Not observed at significant frequency in large population cohorts (gnomAD); In silico analysis supports that this missense variant has a deleterious effect on protein structure/function